The following is an entry in ClinVar:

NM_000128.4(F11):c.1575A>G (p.Arg525=)

Genes: F11 (coagulation factor XI; plus strand), F11-AS1 (F11 antisense RNA 1; minus strand). Cytogenetic location: 4q35.2.
Variant type: single nucleotide variant.
Coding change: c.1575A>G on transcript NM_000128.4 (MANE Select); coding-DNA position 1575, A replaced by G.
Protein change: p.Arg525=; no amino-acid change (arginine 525 retained).
Molecular consequence: synonymous variant. On other transcripts: intron variant (4).
Genome position (GRCh38, 1-based): chr4:186,286,509, A>G. VCF-style: chr4-186286509-A-G. GRCh37 (hg19) VCF-style: chr4-187207663-A-G.
Other names: c.1527A>G, p.Arg509= (NM_001440590.1); c.1305A>G, p.Arg435= (NM_001440605.1); c.1257A>G, p.Arg419= (NM_001440606.1); c.1480+696A>G (NM_001440593.1); c.1432+696A>G (NM_001440596.1); c.1210+696A>G (NM_001440607.1); c.1162+696A>G (NM_001440608.1).
Identifiers: ClinVar variation 4687739 (VCV004687739.1).
Genomic context (GRCh38, chr4:186,286,509, plus strand): 5'-AGATAGAAATGTAATATACACTGATTGCTGGGTGACTGGATGGGGGTACAGAAAACTAAG[A>G]GGTAAAAATGATGTTGTTATATGTGCTCCATCCTAGAAATGAAGAGCGGAACCTTTTCTG-3'
Protein context (NP_000119.1, residues 515-535): WVTGWGYRKL[Arg525=]DKIQNTLQKA

ClinVar aggregate classification (germline): Uncertain significance (1 of 4 stars; one submission).

Submission:

Women's Health and Genetics/Laboratory Corporation of America, LabCorp
Classification: Uncertain significance. Last evaluated: 2025-10-27. Review status: criteria provided, single submitter. Criteria: LabCorp Variant Classification Summary - May 2015. Collection method: clinical testing. Allele origin: germline.
Comment: Variant summary: F11 c.1575A>G (p.Arg525Arg) alters a conserved nucleotide located close to a canonical splice site and therefore could affect mRNA splicing, leading to a significantly altered protein sequence. Several computational tools predict a significant impact on normal splicing: One predicts the variant abolishes a 5' splicing donor site. Three predict the variant weakens a 5' donor site. One predicts the variant strengthens a cryptic 3' acceptor site. However, these predictions have yet to be confirmed by functional studies. The variant was absent in 251416 control chromosomes. The available data on variant occurrences in the general population are insufficient to allow any conclusion about variant significance. To our knowledge, no occurrence of c.1575A>G in individuals affected with F11-related conditions and no experimental evidence demonstrating its impact on protein function have been reported. No submitters have cited clinical-significance assessments for this variant to ClinVar. Based on the evidence outlined above, the variant was classified as uncertain significance.